The following is an entry in ClinVar:

ClinVar aggregate classification (germline): Uncertain significance (1 of 4 stars; one submission).

Conditions:
Inborn genetic diseases. Identifiers: MedGen C0950123, MeSH D030342.

gnomAD v4.1: 1 of 1,614,040 alleles (0.000062%); highest among the groups gnomAD compares: Non-Finnish European, 0.000085%; no homozygotes.

Submission:

Ambry Genetics
Classification: Uncertain significance for Inborn genetic diseases. Last evaluated: 2025-03-25. Review status: criteria provided, single submitter. Criteria: Ambry Variant Classification Scheme 2023. Collection method: clinical testing. Allele origin: germline.
Comment: The p.L3V variant (also known as c.7C>G), located in coding exon 1 of the HAX1 gene, results from a C to G substitution at nucleotide position 7. The leucine at codon 3 is replaced by valine, an amino acid with highly similar properties. This amino acid position is conserved. In addition, this alteration is predicted to be tolerated by in silico analysis. Based on the available evidence, the clinical significance of this variant remains unclear.

NM_006118.4(HAX1):c.7C>G (p.Leu3Val)

Gene: HAX1 (HCLS1 associated protein X-1; plus strand). Cytogenetic location: 1q21.3.
Variant type: single nucleotide variant.
Coding change: c.7C>G on transcript NM_006118.4 (MANE Select); coding-DNA position 7, C replaced by G.
Protein change: p.Leu3Val; replaces leucine 3 with valine.
Molecular consequence: missense variant.
Genome position (GRCh38, 1-based): chr1:154,272,730, C>G. VCF-style: chr1-154272730-C-G. GRCh37 (hg19) VCF-style: chr1-154245206-C-G.
Other names: c.7C>G, p.Leu3Val (NM_001018837.2); short protein forms L3V.
Identifiers: ClinVar variation 4033831 (VCV004033831.1).
Genomic context (GRCh38, chr1:154,272,730, plus strand): 5'-CCGTCTGCGAATGGACCACTGGAGGGGTTCAAAGGTTCGCGTCCCAGTACGGGAATGAGC[C>G]TCTTTGATCTCTTCCGGGGCTTTTTCGGCTTTCCTGGACCTCGGAGGTGAGAGTAGGTCC-3'
Protein context (NP_006109.2, residues 1-13): MS[Leu3Val]FDLFRGFFGF